The following is an entry in ClinVar:

NM_024665.7(TBL1XR1):c.882C>T (p.Asp294=)

Genes: TBL1XR1 (TBL1X/Y related 1; minus strand), TBL1XR1-AS1 (TBL1XR1 antisense RNA 1; plus strand). Cytogenetic location: 3q26.32.
Variant type: single nucleotide variant.
Coding change: c.882C>T on transcript NM_024665.7 (MANE Select); coding-DNA position 882, C replaced by T.
Protein change: p.Asp294=; no amino-acid change (aspartic acid 294 retained).
Molecular consequence: synonymous variant.
Genome position (GRCh38, 1-based): chr3:177,046,172, G>A on the plus strand (C>T on the coding strand, the complement: TBL1XR1 is on the minus strand). VCF-style: chr3-177046172-G-A. GRCh37 (hg19) VCF-style: chr3-176763960-G-A.
Other names: c.882C>T, p.Asp294= (NM_001321193.3, NM_001321194.3, NM_001374327.1 and 2 more transcripts); c.621C>T, p.Asp207= (NM_001321195.3, NM_001374330.1).
Identifiers: ClinVar variation 758018 (VCV000758018.13), dbSNP rs747230542, ClinGen allele CA89088819.
Genomic context (GRCh38, chr3:177,046,172, plus strand): 5'-AATTATAAGAAATTTACCTGAATGAAAAGGAAACTGTTGCTTGGCTTCACCAGTATGTGC[G>A]TCCCAAATAATTGTAGTCTGAGATTAAAAGGAAAAGAAAAATAAACTCATGGAAAGAAGT-3'
Protein context (NP_078941.2, residues 284-304): AGVDKTTIIW[Asp294=]AHTGEAKQQF

ClinVar aggregate classification (germline): Likely benign. Review status: criteria provided, multiple submitters, no conflicts (2 of 4 stars). 3 submissions from 3 submitters: Likely benign (3). Last evaluated 2026-01-28.

Conditions:
Inborn genetic diseases. Identifiers: MedGen C0950123, MeSH D030342.
Pierpont syndrome (PRPTS). Identifiers: Orphanet 487825, MedGen C1865644, MONDO:0011213, OMIM 602342.

Allele frequency attached by ClinVar (database versions not stated): gnomAD exomes 0.00002; TOPMed 0.00005; gnomAD 0.00006.
gnomAD v4.1: 36 of 1,537,108 alleles (0.0023%); highest among the groups gnomAD compares: African/African-American, 0.015%; no homozygotes.

Submissions (3):

Labcorp Genetics (formerly Invitae), Labcorp
Classification: Likely benign for Pierpont syndrome. Last evaluated: 2026-01-28. Review status: criteria provided, single submitter. Criteria: Invitae Variant Classification Sherloc (09022015). Collection method: clinical testing. Allele origin: germline.

Ambry Genetics
Classification: Likely benign for Inborn genetic diseases. Last evaluated: 2025-06-16. Review status: criteria provided, single submitter. Criteria: Ambry Variant Classification Scheme 2023. Collection method: clinical testing. Allele origin: germline.

GeneDx
Classification: Likely benign. Last evaluated: 2021-06-02. Review status: criteria provided, single submitter. Criteria: GeneDx Variant Classification Process June 2021. Collection method: clinical testing. Allele origin: germline. Affected: yes.
Comment: See Variant Classification Assertion Criteria.